The following is an entry in ClinVar:

NM_000152.5(GAA):c.2316G>T (p.Trp772Cys)

Gene: GAA (alpha glucosidase; plus strand). Cytogenetic location: 17q25.3.
Variant type: single nucleotide variant.
Coding change: c.2316G>T on transcript NM_000152.5 (MANE Select); coding-DNA position 2316, G replaced by T.
Protein change: p.Trp772Cys; replaces tryptophan 772 with cysteine.
Molecular consequence: missense variant.
Genome position (GRCh38, 1-based): chr17:80,117,094, G>T. VCF-style: chr17-80117094-G-T. GRCh37 (hg19) VCF-style: chr17-78090893-G-T.
Other names: NM_000152.5(GAA):c.2316G>T; p.Trp772Cys; c.2316G>T, p.Trp772Cys (NM_001079803.3, NM_001079804.3); c.2316G>T (LRG_673t1); short protein forms W772C.
Identifiers: ClinVar variation 392862 (VCV000392862.8), dbSNP rs1057524664, ClinGen allele CA16607903.

ClinVar aggregate classification (germline): Uncertain significance. Review status: reviewed by expert panel (3 of 4 stars). 4 submissions from 4 submitters: Uncertain significance (1). 3 of the submissions do not count toward it. Last evaluated 2022-09-19.

Conditions:
Glycogen storage disease, type II (IOPD). Also called: Pompe Disease; CARDIOMEGALIA GLYCOGENICA DIFFUSA; GLYCOGENOSIS, GENERALIZED, CARDIAC FORM; GSD II; Glycogen storage disease type 2; Acid maltase deficiency disease. Identifiers: Orphanet 365, MedGen C0017921, MONDO:0009290, OMIM 232300.

Allele frequency attached by ClinVar (database versions not stated): gnomAD exomes below 0.00001.
gnomAD v4.1: 2 of 1,612,964 alleles (0.00012%); highest among the groups gnomAD compares: Non-Finnish European, 0.00017%; no homozygotes.

Submissions (4):

ClinGen Lysosomal Storage Disorder Variant Curation Expert Panel
Classification: Uncertain significance for Glycogen storage disease, type II. Last evaluated: 2022-09-19. Review status: reviewed by expert panel. Criteria: clingen_lsd_acmg_specifications_v2-1. Collection method: curation. Allele origin: germline. Inheritance: Autosomal recessive inheritance.
Comment: The NM_000152.5:c.2316G>T variant in GAA is a missense variant predicted to cause substitution of Tryptophan by Cysteine at amino acid 772 (p.Trp772Cys). This variant is absent in gnomAD v2.1.1 (PM2_Supporting). To our knowledge, the results of functional assays have not been reported for this variant and this variant has not been reported in the literature in any individuals with Pompe disease. The computational predictor REVEL gives a score of 0.942 which is above the threshold of 0.7, evidence that correlates with impact to GAA function (PP3). Another missense variant c.2314T>C (p.Trp772Arg) (PMID: 31619483, 18757064, ClinVar ID: 552527) in the same codon has been classified as likely pathogenic for Pompe disease by the ClinGen LSD VCEP (PM5_Supporting). There is a ClinVar entry for this variant (Variation ID: 392862, 2 star review status) with 3 submitters classifying the variant as Uncertain Significance. In summary, this variant meets the criteria to be classified as a Variant of Uncertain Significance for Pompe disease based on the ACMG/AMP criteria applied, as specified by the ClinGen Lysosomal Storage Disorders Variant Curation Expert panel (specifications Version 2.0): PP3, PM2_Supporting, PM5_Supporting.

Genome-Nilou Lab
Classification: Uncertain significance for Glycogen storage disease, type II. Last evaluated: 2021-07-22. Review status: criteria provided, single submitter. Criteria: ACMG Guidelines, 2015. Collection method: clinical testing. Allele origin: germline. Affected: no. Not counted in ClinVar's aggregate classification.

GeneDx
Classification: Uncertain significance. Last evaluated: 2020-05-20. Review status: criteria provided, single submitter. Criteria: GeneDx Variant Classification Process June 2021. Collection method: clinical testing. Allele origin: germline. Affected: yes. Not counted in ClinVar's aggregate classification.
Comment: Not observed in large population cohorts (Lek et al., 2016); In silico analysis supports that this missense variant has a deleterious effect on protein structure/function; Has not been previously published as pathogenic or benign to our knowledge

Counsyl
Classification: Uncertain significance for Glycogen storage disease, type II. Last evaluated: 2018-02-13. Review status: no assertion criteria provided. Collection method: clinical testing. Allele origin: unknown. Not counted in ClinVar's aggregate classification.